The following is an entry in ClinVar:

NM_001130823.3(DNMT1):c.2366C>T (p.Pro789Leu)

Gene: DNMT1 (DNA methyltransferase 1; minus strand). Cytogenetic location: 19p13.2.
Variant type: single nucleotide variant.
Coding change: c.2366C>T on transcript NM_001130823.3 (MANE Select); coding-DNA position 2366, C replaced by T.
Protein change: p.Pro789Leu; replaces proline 789 with leucine.
Molecular consequence: missense variant.
Genome position (GRCh38, 1-based): chr19:10,149,868, G>A on the plus strand (C>T on the coding strand, the complement: DNMT1 is on the minus strand). VCF-style: chr19-10149868-G-A. GRCh37 (hg19) VCF-style: chr19-10260544-G-A.
Other names: c.2366C>T (LRG_362t1); c.2318C>T, p.Pro773Leu (NM_001318730.2, NM_001379.4); c.2003C>T, p.Pro668Leu (NM_001318731.2); short protein forms P773L, P668L, P789L.
Identifiers: ClinVar variation 652058 (VCV000652058.8), dbSNP rs1201583942, ClinGen allele CA403929602.

ClinVar aggregate classification (germline): Uncertain significance (1 of 4 stars; one submission).

Conditions:
Hereditary sensory neuropathy-deafness-dementia syndrome. Also called: NEUROPATHY, HEREDITARY SENSORY, WITH HEARING LOSS AND DEMENTIA; Hereditary Sensory and Autonomic Neuropathy Type 1E (HSAN1E); HSN IE; Hereditary sensory neuropathy type IE. Identifiers: Orphanet 456318, MedGen C3279885, MONDO:0013584, OMIM 614116.

Allele frequency attached by ClinVar (database versions not stated): gnomAD exomes below 0.00001.
gnomAD v4.1: 1 of 1,614,178 alleles (0.000062%); highest among the groups gnomAD compares: Non-Finnish European, 0.000085%; no homozygotes.

Submission:

Labcorp Genetics (formerly Invitae), Labcorp
Classification: Uncertain significance for Hereditary sensory neuropathy-deafness-dementia syndrome. Last evaluated: 2025-12-08. Review status: criteria provided, single submitter. Criteria: Invitae Variant Classification Sherloc (09022015). Collection method: clinical testing. Allele origin: germline.
Comment: This sequence change replaces proline, which is neutral and non-polar, with leucine, which is neutral and non-polar, at codon 789 of the DNMT1 protein (p.Pro789Leu). This variant is present in population databases (no rsID available, gnomAD 0.0009%). This variant has not been reported in the literature in individuals affected with DNMT1-related conditions. ClinVar contains an entry for this variant (Variation ID: 652058). Invitae Evidence Modeling of protein sequence and biophysical properties (such as structural, functional, and spatial information, amino acid conservation, physicochemical variation, residue mobility, and thermodynamic stability) indicates that this missense variant is not expected to disrupt DNMT1 protein function with a negative predictive value of 80%. In summary, the available evidence is currently insufficient to determine the role of this variant in disease. Therefore, it has been classified as a Variant of Uncertain Significance.